The following is an entry in ClinVar:

ClinVar aggregate classification (germline): Pathogenic. Review status: criteria provided, multiple submitters, no conflicts (2 of 4 stars). 3 submissions from 3 submitters: Pathogenic (2). 1 of the submissions does not count toward it. Last evaluated 2023-07-20.

Conditions:
GRN-related frontotemporal lobar degeneration with Tdp43 inclusions (FTD2). Also called: DEMENTIA, HEREDITARY DYSPHASIC DISINHIBITION; FRONTOTEMPORAL LOBAR DEGENERATION WITH UBIQUITIN-POSITIVE INCLUSIONS; FTLD-TDP, GRN-RELATED; FRONTOTEMPORAL DEMENTIA WITH TDP43 INCLUSIONS, GRN-RELATED; GRN Frontotemporal Dementia. Identifiers: Orphanet 100070, Orphanet 282, MedGen C1843792, MONDO:0011842, OMIM 607485. Disease mechanism: loss of function.
Neuronal ceroid lipofuscinosis 11. Also called: GRN-Related Neuronal Ceroid-Lipofuscinosis. Identifiers: Orphanet 314629, Orphanet 79262, MedGen C3539123, MONDO:0013866, OMIM 614706.

gnomAD v4.1: 1 of 1,613,620 alleles (0.000062%); no homozygotes.

Submissions (3):

Labcorp Genetics (formerly Invitae), Labcorp
Classification: Pathogenic for Neuronal ceroid lipofuscinosis 11; GRN-related frontotemporal lobar degeneration with Tdp43 inclusions. Last evaluated: 2023-07-20. Review status: criteria provided, single submitter. Criteria: Invitae Variant Classification Sherloc (09022015). Collection method: clinical testing. Allele origin: germline.
Comment: This sequence change creates a premature translational stop signal (p.Trp304*) in the GRN gene. It is expected to result in an absent or disrupted protein product. Loss-of-function variants in GRN are known to be pathogenic (PMID: 16862116, 16950801, 22608501). This variant is not present in population databases (gnomAD no frequency). This premature translational stop signal has been observed in individual(s) with frontotemporal dementia (PMID: 16950801, 20142524, 23338682). ClinVar contains an entry for this variant (Variation ID: 98162). For these reasons, this variant has been classified as Pathogenic.

Athena Diagnostics
Classification: Pathogenic. Last evaluated: 2017-05-25. Review status: criteria provided, single submitter. Criteria: Athena Diagnostics Criteria. Collection method: clinical testing. Allele origin: germline.

VIB  Department of Molecular Genetics, University of Antwerp
No classification provided. Review status: no classification provided. Collection method: not provided. Allele origin: unknown. Not counted in ClinVar's aggregate classification.

Literature cited by the submitters: PubMed 16862116 (cited by Labcorp Genetics (formerly Invitae), Labcorp); PubMed 16950801 (cited by Labcorp Genetics (formerly Invitae), Labcorp and Athena Diagnostics); PubMed 22608501 (cited by Labcorp Genetics (formerly Invitae), Labcorp); PubMed 20142524 (cited by Labcorp Genetics (formerly Invitae), Labcorp and Athena Diagnostics); PubMed 23338682 (cited by Labcorp Genetics (formerly Invitae), Labcorp and Athena Diagnostics); PubMed 17698705 (cited by Athena Diagnostics); PubMed 18223198 (cited by Athena Diagnostics); PubMed 26674655 (cited by Athena Diagnostics); PubMed 17356379 (cited by Athena Diagnostics).

NM_002087.4(GRN):c.911G>A (p.Trp304Ter)

Gene: GRN (granulin precursor; plus strand). Cytogenetic location: 17q21.31.
Variant type: single nucleotide variant.
Coding change: c.911G>A on transcript NM_002087.4 (MANE Select); coding-DNA position 911, G replaced by A.
Protein change: p.Trp304Ter; replaces tryptophan 304 with a stop codon.
Molecular consequence: nonsense.
Genome position (GRCh38, 1-based): chr17:44,351,438, G>A. VCF-style: chr17-44351438-G-A. GRCh37 (hg19) VCF-style: chr17-42428806-G-A.
Other names: short protein forms W304*.
Identifiers: ClinVar variation 98162 (VCV000098162.8), dbSNP rs63751177, ClinGen allele CA225294.